The following is an entry in ClinVar:

NM_003106.4(SOX2):c.799G>A (p.Ala267Thr)

Genes: SOX2 (SRY-box transcription factor 2; plus strand), SOX2-OT (SOX2 overlapping transcript; plus strand). Cytogenetic location: 3q26.33.
Variant type: single nucleotide variant.
Coding change: c.799G>A on transcript NM_003106.4 (MANE Select); coding-DNA position 799, G replaced by A.
Protein change: p.Ala267Thr; replaces alanine 267 with threonine.
Molecular consequence: missense variant.
Genome position (GRCh38, 1-based): chr3:181,713,159, G>A. VCF-style: chr3-181713159-G-A. GRCh37 (hg19) VCF-style: chr3-181430947-G-A.
Other names: short protein forms A267T.
Identifiers: ClinVar variation 681395 (VCV000681395.1), dbSNP rs1576853632, ClinGen allele CA355474675.
Genomic context (GRCh38, chr3:181,713,159, plus strand): 5'-GAGGCCAGCTCCAGCCCCCCTGTGGTTACCTCTTCCTCCCACTCCAGGGCGCCCTGCCAG[G>A]CCGGGGACCTCCGGGACATGATCAGCATGTATCTCCCCGGCGCCGAGGTGCCGGAACCCG-3'
Protein context (NP_003097.1, residues 257-277): SSSHSRAPCQ[Ala267Thr]GDLRDMISMY

ClinVar aggregate classification (germline): Likely benign (1 of 4 stars; one submission).

Allele frequency attached by ClinVar (database versions not stated): TOPMed below 0.00001.

Submission:

GeneDx
Classification: Likely benign. Last evaluated: 2018-04-25. Review status: criteria provided, single submitter. Criteria: GeneDx Variant Classification (06012015). Collection method: clinical testing. Allele origin: germline. Affected: yes.
Comment: This variant is considered likely benign or benign based on one or more of the following criteria: it is a conservative change, it occurs at a poorly conserved position in the protein, it is predicted to be benign by multiple in silico algorithms, and/or has population frequency not consistent with disease.